The following is an entry in ClinVar:

ClinVar aggregate classification (germline): Likely pathogenic (1 of 4 stars; one submission).

Conditions:
Familial thoracic aortic aneurysm and aortic dissection (TAAD). Also called: Thoracic aortic aneurysms and dissections. Identifiers: Orphanet 91387, MedGen C4707243, MONDO:0019625.

Submission:

Ambry Genetics
Classification: Likely pathogenic for Familial thoracic aortic aneurysm and aortic dissection. Last evaluated: 2025-12-08. Review status: criteria provided, single submitter. Criteria: Ambry Variant Classification Scheme 2023. Collection method: clinical testing. Allele origin: germline.
Comment: The p.C460S variant (also known as c.1379G>C), located in coding exon 11 of the FBN1 gene, results from a G to C substitution at nucleotide position 1379. The cysteine at codon 460 is replaced by serine, an amino acid with dissimilar properties. This variant (and a different nucleotide change resulting in the same protein impact (p.C460S, c.1378T>A)) was reported in individual(s) with features consistent with Marfan syndrome and related fibrillinopathies (Stheneur C et al. Eur J Hum Genet, 2009 Sep;17:1121-8; Mannucci L et al. Clin Chim Acta, 2020 Feb;501:154-164). Other variant(s) at the same codon, p.C460W (c.1380T>G), have been identified in individual(s) with features consistent with Marfan syndrome and related fibrillinopathies (Overwater E et al. Eur J Med Genet, 2017 Sep;60:465-473; Chen ZX et al. Hum Mutat, 2021 Dec;42:1637-1647; Li W et al. Invest Ophthalmol Vis Sci, 2023 Feb;64:5). The majority of FBN1 mutations identified to date have involved the substitution or generation of cysteine residues within cbEGF domains (Vollbrandt T et al. J Biol Chem. 2004;279(31):32924-32931). Internal structural analysis indicates this alteration eliminates a disulfide bond critical for the structural integrity of the EGF4 domain (Ambry internal data). This amino acid position is highly conserved in available vertebrate species. In addition, this alteration is predicted to be deleterious by in silico analysis. This variant is considered to be rare based on population cohorts in the Genome Aggregation Database (gnomAD). Based on the majority of available evidence to date, this variant is likely to be pathogenic.

Literature cited by the submitters: PubMed 19293843; PubMed 31730815.

NM_000138.5(FBN1):c.1379G>C (p.Cys460Ser)

Gene: FBN1 (fibrillin 1; minus strand). Cytogenetic location: 15q21.1.
Variant type: single nucleotide variant.
Coding change: c.1379G>C on transcript NM_000138.5 (MANE Select); coding-DNA position 1379, G replaced by C.
Protein change: p.Cys460Ser; replaces cysteine 460 with serine.
Molecular consequence: missense variant.
Genome position (GRCh38, 1-based): chr15:48,515,476, C>G on the plus strand (G>C on the coding strand, the complement: FBN1 is on the minus strand). VCF-style: chr15-48515476-C-G. GRCh37 (hg19) VCF-style: chr15-48807673-C-G.
Other names: c.1379G>C, p.Cys460Ser (NM_001406716.1); short protein forms C460S.
Identifiers: ClinVar variation 4635358 (VCV004635358.1).
Genomic context (GRCh38, chr15:48,515,476, plus strand): 5'-AACCCTTTGTTGCACTCACACCGGTAACTCCCAGGAGTTGGAATGCAGCGTCCATTTTGA[C>G]AGAGATAGCGGACCAACTGGCAGTAATCAGTAACGTTTACTGGCAGCACCCCTAGAAGAA-3'
Protein context (NP_000129.3, residues 450-470): TDYCQLVRYL[Cys460Ser]QNGRCIPTPG